The following is an entry in ClinVar:

ClinVar aggregate classification (germline): Uncertain significance (1 of 4 stars; one submission).

Conditions:
Autosomal dominant limb-girdle muscular dystrophy type 1F (LGMDD2). Also called: MUSCULAR DYSTROPHY, LIMB-GIRDLE, AUTOSOMAL DOMINANT 2; Limb-girdle muscular dystrophy, type 1F. Identifiers: Orphanet 55595, MedGen C1842062, MONDO:0012034, OMIM 608423.

Allele frequency attached by ClinVar (database versions not stated): gnomAD 0.00001; TOPMed 0.00001; ExAC 0.00004.

Submission:

Labcorp Genetics (formerly Invitae), Labcorp
Classification: Uncertain significance for Autosomal dominant limb-girdle muscular dystrophy type 1F. Last evaluated: 2022-03-01. Review status: criteria provided, single submitter. Criteria: Invitae Variant Classification Sherloc (09022015). Collection method: clinical testing. Allele origin: germline.
Comment: In summary, the available evidence is currently insufficient to determine the role of this variant in disease. Therefore, it has been classified as a Variant of Uncertain Significance. Experimental studies have shown that this missense change does not substantially affect TNPO3 function (PMID: 30567601). Algorithms developed to predict the effect of missense changes on protein structure and function are either unavailable or do not agree on the potential impact of this missense change (SIFT: "Tolerated"; PolyPhen-2: "Probably Damaging"; Align-GVGD: "Class C0"). This missense change has been observed in individual(s) with limb-girdle muscular dystrophy (PMID: 23667635). This variant is present in population databases (rs587777431, gnomAD 0.02%). This sequence change replaces arginine, which is basic and polar, with glutamine, which is neutral and polar, at codon 818 of the TNPO3 protein (p.Arg818Gln).

Literature cited by the submitters: PubMed 30567601; PubMed 23667635.

NM_012470.4(TNPO3):c.2453G>A (p.Arg818Gln)

Gene: TNPO3 (transportin 3; minus strand). Cytogenetic location: 7q32.1.
Variant type: single nucleotide variant.
Coding change: c.2453G>A on transcript NM_012470.4 (MANE Select); coding-DNA position 2453, G replaced by A.
Protein change: p.Arg818Gln; replaces arginine 818 with glutamine.
Molecular consequence: missense variant. On other transcripts: non-coding transcript variant (18).
Genome position (GRCh38, 1-based): chr7:128,970,293, C>T on the plus strand (G>A on the coding strand, the complement: TNPO3 is on the minus strand). VCF-style: chr7-128970293-C-T. GRCh37 (hg19) VCF-style: chr7-128610347-C-T.
Other names: c.2261G>A, p.Arg754Gln (NM_001191028.3, NM_001382223.1); c.2555G>A, p.Arg852Gln (NM_001382216.1); c.2534G>A, p.Arg845Gln (NM_001382217.1); c.2453G>A, p.Arg818Gln (NM_001382218.1); c.2345G>A, p.Arg782Gln (NM_001382219.1); c.2312G>A, p.Arg771Gln (NM_001382220.1); c.2309G>A, p.Arg770Gln (NM_001382221.1); c.2306G>A, p.Arg769Gln (NM_001382222.1); short protein forms R771Q, R852Q, R754Q, R782Q, R770Q, R845Q, R769Q, R818Q.
Identifiers: ClinVar variation 2136613 (VCV002136613.4), dbSNP rs587777431, ClinGen allele CA4477861.